The following is an entry in ClinVar:

NM_152383.5(DIS3L2):c.2362C>T (p.Arg788Cys)

Gene: DIS3L2 (DIS3 like 3'-5' exoribonuclease 2; plus strand). Cytogenetic location: 2q37.1.
Variant type: single nucleotide variant.
Coding change: c.2362C>T on transcript NM_152383.5 (MANE Select); coding-DNA position 2362, C replaced by T.
Protein change: p.Arg788Cys; replaces arginine 788 with cysteine.
Molecular consequence: missense variant. On other transcripts: non-coding transcript variant (2), intron variant (1).
Genome position (GRCh38, 1-based): chr2:232,334,703, C>T. VCF-style: chr2-232334703-C-T. GRCh37 (hg19) VCF-style: chr2-233199413-C-T.
Other names: c.1582-8642C>T (NM_001257281.2); short protein forms R788C.
Identifiers: ClinVar variation 661114 (VCV000661114.12), dbSNP rs777778396, ClinGen allele CA2164509.

ClinVar aggregate classification (germline): Uncertain significance. Review status: criteria provided, multiple submitters, no conflicts (2 of 4 stars). 3 submissions from 3 submitters: Uncertain significance (3). Last evaluated 2026-01-12.

Conditions:
Perlman syndrome (PRLMNS). Identifiers: Orphanet 2849, MedGen C0796113, MONDO:0009965, OMIM 267000.

Allele frequency attached by ClinVar (database versions not stated): gnomAD exomes below 0.00001; ExAC 0.00001; TOPMed 0.00001; gnomAD 0.00004 and 0.00005.

Submissions (3):

Labcorp Genetics (formerly Invitae), Labcorp
Classification: Uncertain significance for Perlman syndrome. Last evaluated: 2026-01-12. Review status: criteria provided, single submitter. Criteria: Invitae Variant Classification Sherloc (09022015). Collection method: clinical testing. Allele origin: germline.
Comment: This sequence change replaces arginine, which is basic and polar, with cysteine, which is neutral and slightly polar, at codon 788 of the DIS3L2 protein (p.Arg788Cys). The frequency data for this variant in the population databases is considered unreliable, as metrics indicate poor data quality at this position in the gnomAD database. This variant has not been reported in the literature in individuals affected with DIS3L2-related conditions. ClinVar contains an entry for this variant (Variation ID: 661114). Invitae Evidence Modeling of protein sequence and biophysical properties (such as structural, functional, and spatial information, amino acid conservation, physicochemical variation, residue mobility, and thermodynamic stability) indicates that this missense variant is not expected to disrupt DIS3L2 protein function with a negative predictive value of 80%. In summary, the available evidence is currently insufficient to determine the role of this variant in disease. Therefore, it has been classified as a Variant of Uncertain Significance.

Blueprint Genetics
Classification: Uncertain significance. Last evaluated: 2024-08-30. Review status: criteria provided, single submitter. Criteria: ACMG Guidelines, 2015. Collection method: clinical testing. Allele origin: germline.

Institute for Clinical Genetics, University Hospital TU Dresden, University Hospital TU Dresden
Classification: Uncertain significance. Last evaluated: 2021-11-03. Review status: criteria provided, single submitter. Criteria: ACMG Guidelines, 2015. Collection method: clinical testing. Allele origin: germline.